The following is an entry in ClinVar:

ClinVar aggregate classification (germline): Conflicting classifications of pathogenicity. Review status: criteria provided, conflicting classifications (1 of 4 stars). 3 submissions from 3 submitters: Uncertain significance (2); Likely benign (1). Last evaluated 2024-11-08.

Conditions:
Renal cell carcinoma. Identifiers: Orphanet 217071, MedGen C0007134, MeSH D002292, MONDO:0005086, HP:0005584.
Hereditary cancer-predisposing syndrome. Also called: Neoplastic Syndromes, Hereditary; Tumor predisposition; Hereditary Cancer Syndrome; Hereditary neoplastic syndrome. Identifiers: Orphanet 140162, MedGen C0027672, MeSH D009386, MONDO:0015356.
Papillary renal cell carcinoma type 1 (RCCP1). Also called: RENAL CELL CARCINOMA, PAPILLARY, 1, SOMATIC; Renal adenocarcinoma; Renal cell carcinoma 1; Renal cell carcinoma, somatic. Identifiers: Orphanet 47044, MedGen C1336839, OMIM 605074, HP:0011797.

Allele frequency attached by ClinVar (database versions not stated): gnomAD exomes below 0.00001.
gnomAD v4.1: 1 of 1,613,602 alleles (0.000062%); highest among the groups gnomAD compares: Non-Finnish European, 0.000085%; no homozygotes.

Submissions (3):

Myriad Genetics, Inc.
Classification: Likely benign for Papillary renal cell carcinoma type 1. Last evaluated: 2024-11-08. Review status: criteria provided, single submitter. Criteria: Myriad Autosomal Dominant, Autosomal Recessive and X-Linked Classification Criteria (2023). Collection method: clinical testing. Allele origin: unknown.
Comment: This variant is considered likely benign. This variant is intronic and is not expected to impact mRNA splicing.

Labcorp Genetics (formerly Invitae), Labcorp
Classification: Uncertain significance for Renal cell carcinoma. Last evaluated: 2022-09-02. Review status: criteria provided, single submitter. Criteria: Invitae Variant Classification Sherloc (09022015). Collection method: clinical testing. Allele origin: germline.
Comment: This sequence change falls in intron 8 of the MET gene. It does not directly change the encoded amino acid sequence of the MET protein. It affects a nucleotide within the consensus splice site. This variant is not present in population databases (gnomAD no frequency). This variant has not been reported in the literature in individuals affected with MET-related conditions. ClinVar contains an entry for this variant (Variation ID: 1000490). Variants that disrupt the consensus splice site are a relatively common cause of aberrant splicing (PMID: 17576681, 9536098). Algorithms developed to predict the effect of sequence changes on RNA splicing suggest that this variant is not likely to affect RNA splicing. In summary, the available evidence is currently insufficient to determine the role of this variant in disease. Therefore, it has been classified as a Variant of Uncertain Significance.

Ambry Genetics
Classification: Uncertain significance for Hereditary cancer-predisposing syndrome. Last evaluated: 2021-12-15. Review status: criteria provided, single submitter. Criteria: Ambry Variant Classification Scheme 2023. Collection method: clinical testing. Allele origin: germline.
Comment: The c.2102+5T>G intronic variant results from a T to G substitution 5 nucleotides after coding exon 7 in the MET gene. This nucleotide position is highly conserved in available vertebrate species. In silico splice site analysis predicts that this alteration will not have any significant effect on splicing. Since supporting evidence is limited at this time, the clinical significance of this alteration remains unclear.

Literature cited by the submitters: PubMed 17576681 (cited by Labcorp Genetics (formerly Invitae), Labcorp); PubMed 9536098 (cited by Labcorp Genetics (formerly Invitae), Labcorp).

NM_000245.4(MET):c.2102+5T>G

Gene: MET (MET proto-oncogene, receptor tyrosine kinase; plus strand). Cytogenetic location: 7q31.2.
Variant type: single nucleotide variant.
Coding change: c.2102+5T>G on transcript NM_000245.4 (MANE Select); 5 bases into the intron after coding-DNA position 2102, T replaced by G.
Molecular consequence: intron variant.
Genome position (GRCh38, 1-based): chr7:116,757,779, T>G. VCF-style: chr7-116757779-T-G. GRCh37 (hg19) VCF-style: chr7-116397833-T-G.
Other names: c.2102+5T>G (NM_001127500.3, NM_001324401.3); c.812+5T>G (NM_001324402.2).
Identifiers: ClinVar variation 1000490 (VCV001000490.9), dbSNP rs1794247110, ClinGen allele CA1737022662.